The following is an entry in ClinVar:

NM_000834.5(GRIN2B):c.1147del (p.Ser383fs)

Gene: GRIN2B (glutamate ionotropic receptor NMDA type subunit 2B; minus strand). Cytogenetic location: 12p13.1.
Variant type: Deletion.
Coding change: c.1147del on transcript NM_000834.5 (MANE Select); coding-DNA position 1147, one base deleted (T; older notation c.1147delT).
Protein change: p.Ser383fs; shifts the reading frame from serine 383.
Molecular consequence: frameshift variant.
Genome position (GRCh38, 1-based): chr12:13,616,636, A deleted on the plus strand (T on the coding strand, the reverse complement: GRIN2B is on the minus strand). VCF-style (leftmost placement, unchanged base first): chr12-13616635-GA-G. GRCh37 (hg19) VCF-style: chr12-13769569-GA-G.
Other names: c.1147del, p.Ser383fs (NM_001413992.1); short protein forms S383fs.
Identifiers: ClinVar variation 3377220 (VCV003377220.1).
Genomic context (GRCh38, chr12:13,616,635, plus strand): 5'-TCCTCCTGCTCTTCAGTCTCTGGACACATTCGGGGCCACACATAGTACTTCATCTGCAGG[GA>G]CTTGTCTTTCCACTTCCCCACCTGCACAAGGATGAACACAAGAATCAGAAACCACTGGCC-3'

ClinVar aggregate classification (germline): Pathogenic (1 of 4 stars; one submission).

Conditions:
Developmental and epileptic encephalopathy, 27 (DEE27). Also called: Epileptic encephalopathy, early infantile, 27; GRIN2B-Related Neurodevelopmental Disorder. Identifiers: Orphanet 3451, MedGen C4015316, MONDO:0014505, OMIM 616139.

Submission:

Victorian Clinical Genetics Services, Murdoch Childrens Research Institute
Classification: Pathogenic. Last evaluated: 2024-10-10. Review status: criteria provided, single submitter. Criteria: ACMG Guidelines, 2015. Collection method: clinical testing. Allele origin: germline. Inheritance: Autosomal dominant inheritance. Affected: yes.
Comment: Based on the classification scheme VCGS_Germline_v1.3.5, this variant is classified as Pathogenic. Following criteria are met: 0103 - Loss of function and gain of function are known mechanisms of disease in this gene and are associated with developmental and epileptic encephalopathy 27 (MIM#616139) and intellectual developmental disorder, autosomal dominant 6, with or without seizures (MIM#613970) (PMID: 28377535). (I) 0107 - This gene is associated with autosomal dominant disease. (I) 0115 - Variants in this gene are known to have variable expressivity. The phenotypic severity varies in developmental and epileptic encephalopathy 27 (MIM#616139) and intellectual developmental disorder, autosomal dominant 6, with or without seizures (PMID: 28377535). (I) 0201 - Variant is predicted to cause nonsense-mediated decay (NMD) and loss of protein (premature termination codon is located at least 54 nucleotides upstream of the final exon-exon junction). (SP) 0251 - This variant is heterozygous. (I) 0301 - Variant is absent from gnomAD (v2, v3 and v4). (SP) 0701 - Other NMD-predicted variant comparable to the one identified in this case have very strong previous evidence for pathogenicity. Many pathogenic NMD-predicted variants have been identified (DECIPHER). (SP) 0807 - This variant has no previous evidence of pathogenicity. (I) 0905 - No published segregation evidence has been identified for this variant. (I) 1007 - No published functional evidence has been identified for this variant. (SP) Legend: (SP) - Supporting pathogenic, (I) - Information, (SB) - Supporting benign

Literature cited by the submitters: PubMed 28377535.